The following is an entry in ClinVar:

NM_000540.3(RYR1):c.2794C>T (p.Leu932=)

Gene: RYR1 (ryanodine receptor 1; plus strand). Cytogenetic location: 19q13.2.
Variant type: single nucleotide variant.
Coding change: c.2794C>T on transcript NM_000540.3 (MANE Select); coding-DNA position 2794, C replaced by T.
Protein change: p.Leu932=; no amino-acid change (leucine 932 retained).
Molecular consequence: synonymous variant.
Genome position (GRCh38, 1-based): chr19:38,464,646, C>T. VCF-style: chr19-38464646-C-T. GRCh37 (hg19) VCF-style: chr19-38955286-C-T.
Other names: c.2794C>T, p.Leu932= (NM_001042723.2).
Identifiers: ClinVar variation 2841516 (VCV002841516.4), dbSNP rs2514083674, ClinGen allele CA507233990.

ClinVar aggregate classification (germline): Likely benign. Review status: criteria provided, multiple submitters, no conflicts (2 of 4 stars). 2 submissions from 2 submitters: Likely benign (2). Last evaluated 2023-12-18.

Conditions:
RYR1-related disorder. Also called: RYR1-related disorders; RYR1-related condition. Identifiers: MedGen CN239331.
Malignant hyperthermia, susceptibility to, 1 (MHS1). Also called: Anesthesia related hyperthermia; Malignant hyperpyrexia; Fulminating hyperpyrexia; Pharmacogenic myopathy; Malignant hyperthermia suceptibility 1; RYR1-Related Malignant Hyperthermia Susceptibility. Identifiers: Orphanet 423, MedGen C2930980, MONDO:0007783, OMIM 145600.

Submissions (2):

All of Us Research Program, National Institutes of Health
Classification: Likely benign for Malignant hyperthermia, susceptibility to, 1. Last evaluated: 2023-12-18. Review status: criteria provided, single submitter. Criteria: ACMG Guidelines, 2015. Collection method: clinical testing. Allele origin: germline. Inheritance: Autosomal dominant inheritance. Observed: 1 variant allele, 1 heterozygote.
Comment: This study involves interpretation of variants in research participants for the purpose of population health screening. Participant phenotype was not available at the time of variant classification. Additional details can be found in publication PMID: 35346344, PMCID: PMC8962531

Labcorp Genetics (formerly Invitae), Labcorp
Classification: Likely benign for RYR1-related disorder. Last evaluated: 2023-03-07. Review status: criteria provided, single submitter. Criteria: Invitae Variant Classification Sherloc (09022015). Collection method: clinical testing. Allele origin: germline.